The following is an entry in ClinVar:

ClinVar aggregate classification (germline): Uncertain significance (1 of 4 stars; one submission).

Submission:

Ambry Genetics
Classification: Uncertain significance. Last evaluated: 2026-01-20. Review status: criteria provided, single submitter. Criteria: Ambry Variant Classification Scheme 2023. Collection method: clinical testing. Allele origin: germline.
Comment: The p.S334Y variant (also known as c.1001C>A), located in coding exon 1 of the TET2 gene, results from a C to A substitution at nucleotide position 1001. The serine at codon 334 is replaced by tyrosine, an amino acid with dissimilar properties. This amino acid position is conserved. In addition, this alteration is predicted to be tolerated by in silico analysis. Based on the available evidence, the clinical significance of this variant remains unclear.

NM_001127208.3(TET2):c.1001C>A (p.Ser334Tyr)

Genes: TET2 (tet methylcytosine dioxygenase 2; plus strand), TET2-AS1 (TET2 antisense RNA 1; minus strand). Cytogenetic location: 4q24.
Variant type: single nucleotide variant.
Coding change: c.1001C>A on transcript NM_001127208.3 (MANE Select); coding-DNA position 1001, C replaced by A.
Protein change: p.Ser334Tyr; replaces serine 334 with tyrosine.
Molecular consequence: missense variant.
Genome position (GRCh38, 1-based): chr4:105,234,943, C>A. VCF-style: chr4-105234943-C-A. GRCh37 (hg19) VCF-style: chr4-106156100-C-A.
Other names: c.1001C>A, p.Ser334Tyr (NM_017628.4); short protein forms S334Y.
Identifiers: ClinVar variation 4825000 (VCV004825000.1).